The following is an entry in ClinVar:

NM_004525.3(LRP2):c.9028T>C (p.Phe3010Leu)

Gene: LRP2 (LDL receptor related protein 2; minus strand). Cytogenetic location: 2q31.1.
Variant type: single nucleotide variant.
Coding change: c.9028T>C on transcript NM_004525.3 (MANE Select); coding-DNA position 9028, T replaced by C.
Protein change: p.Phe3010Leu; replaces phenylalanine 3010 with leucine.
Molecular consequence: missense variant.
Genome position (GRCh38, 1-based): chr2:169,191,836, A>G on the plus strand (T>C on the coding strand, the complement: LRP2 is on the minus strand). VCF-style: chr2-169191836-A-G. GRCh37 (hg19) VCF-style: chr2-170048346-A-G.
Other names: short protein forms F3010L.
Identifiers: ClinVar variation 2094336 (VCV002094336.1), dbSNP rs1289253575, ClinGen allele CA349159017.
Genomic context (GRCh38, chr2:169,191,836, plus strand): 5'-CCCAGCCCCCATGGACATTTGAGGCATGCTGGGTAACTTCTGAATCCTCAATTCACCTGA[A>G]TATCTTTGGGATACACAGTCCGTAACCACAGGTGAATTCATTTTCAGAGCAAGTTCTCCT-3'
Protein context (NP_004516.2, residues 3000-3020): CGYGLCIPKI[Phe3010Leu]RCDRHNDCGD

ClinVar aggregate classification (germline): Uncertain significance (1 of 4 stars; one submission).

Allele frequency attached by ClinVar (database versions not stated): TOPMed below 0.00001; gnomAD 0.00001; gnomAD exomes 0.00001.
gnomAD v4.1: 5 of 1,613,798 alleles (0.00031%); highest among the groups gnomAD compares: South Asian, 0.0011%; no homozygotes.

Submission:

Labcorp Genetics (formerly Invitae), Labcorp
Classification: Uncertain significance. Last evaluated: 2022-10-07. Review status: criteria provided, single submitter. Criteria: Invitae Variant Classification Sherloc (09022015). Collection method: clinical testing. Allele origin: germline.
Comment: This sequence change replaces phenylalanine, which is neutral and non-polar, with leucine, which is neutral and non-polar, at codon 3010 of the LRP2 protein (p.Phe3010Leu). This variant is present in population databases (no rsID available, gnomAD 0.0009%). This variant has not been reported in the literature in individuals affected with LRP2-related conditions. Advanced modeling of protein sequence and biophysical properties (such as structural, functional, and spatial information, amino acid conservation, physicochemical variation, residue mobility, and thermodynamic stability) performed at Invitae indicates that this missense variant is not expected to disrupt LRP2 protein function. In summary, the available evidence is currently insufficient to determine the role of this variant in disease. Therefore, it has been classified as a Variant of Uncertain Significance.